The following is an entry in ClinVar:

ClinVar aggregate classification (germline): Uncertain significance (1 of 4 stars; one submission).

Submission:

Labcorp Genetics (formerly Invitae), Labcorp
Classification: Uncertain significance. Last evaluated: 2025-03-05. Review status: criteria provided, single submitter. Criteria: Invitae Variant Classification Sherloc (09022015). Collection method: clinical testing. Allele origin: germline.
Comment: This sequence change replaces serine, which is neutral and polar, with proline, which is neutral and non-polar, at codon 197 of the DEAF1 protein (p.Ser197Pro). This variant is not present in population databases (gnomAD no frequency). This variant has not been reported in the literature in individuals affected with DEAF1-related conditions. Invitae Evidence Modeling of protein sequence and biophysical properties (such as structural, functional, and spatial information, amino acid conservation, physicochemical variation, residue mobility, and thermodynamic stability) indicates that this missense variant is expected to disrupt DEAF1 protein function with a positive predictive value of 95%. In summary, the available evidence is currently insufficient to determine the role of this variant in disease. Therefore, it has been classified as a Variant of Uncertain Significance.

NM_021008.4(DEAF1):c.589T>C (p.Ser197Pro)

Gene: DEAF1 (DEAF1 transcription factor; minus strand). Cytogenetic location: 11p15.5.
Variant type: single nucleotide variant.
Coding change: c.589T>C on transcript NM_021008.4 (MANE Select); coding-DNA position 589, T replaced by C.
Protein change: p.Ser197Pro; replaces serine 197 with proline.
Molecular consequence: missense variant. On other transcripts: 5 prime UTR variant (4).
Genome position (GRCh38, 1-based): chr11:687,986, A>G on the plus strand (T>C on the coding strand, the complement: DEAF1 is on the minus strand). VCF-style: chr11-687986-A-G. GRCh37 (hg19) VCF-style: chr11-687986-A-G.
Other names: c.589T>C, p.Ser197Pro (NM_001293634.2, NM_001440883.1, NM_001440884.1); c.-138T>C (NM_001367390.1, NM_001440885.1, NM_001440886.1 and 1 more transcripts); short protein forms S197P.
Identifiers: ClinVar variation 4746225 (VCV004746225.1).